The following is an entry in ClinVar:

NM_000038.6(APC):c.1744-3T>C

Gene: APC (APC regulator of Wnt signaling pathway; plus strand). Cytogenetic location: 5q22.2.
Variant type: single nucleotide variant.
Coding change: c.1744-3T>C on transcript NM_000038.6 (MANE Select); 3 bases into the intron before coding-DNA position 1744, T replaced by C.
Molecular consequence: intron variant.
Genome position (GRCh38, 1-based): chr5:112,834,948, T>C. VCF-style: chr5-112834948-T-C. GRCh37 (hg19) VCF-style: chr5-112170645-T-C.
Other names: c.1744-3T>C (NM_001354895.2, NM_001127510.3); c.1774-3T>C (NM_001354897.2); c.1471-3T>C (NM_001354902.2); c.1690-3T>C (NM_001127511.3); c.1669-3T>C (NM_001354898.2); c.1366-3T>C (NM_001354904.2); c.895-3T>C (NM_001354906.2); c.1798-3T>C (NM_001354896.2); and 5 more.
Identifiers: ClinVar variation 490224 (VCV000490224.19), dbSNP rs760166803, ClinGen allele CA029421.

ClinVar aggregate classification (germline): Conflicting classifications of pathogenicity. Review status: criteria provided, conflicting classifications (1 of 4 stars). 7 submissions from 7 submitters: Uncertain significance (3); Likely benign (4). Last evaluated 2025-10-02.

Conditions:
Familial adenomatous polyposis 1 (FAP1). Also called: POLYPOSIS, ADENOMATOUS INTESTINAL; FAMILIAL ADENOMATOUS POLYPOSIS 1, ATTENUATED. Identifiers: MedGen C2713442, MONDO:0021056, OMIM 175100. Disease mechanism: loss of function.
Hereditary cancer-predisposing syndrome. Also called: Hereditary Cancer Syndrome; Neoplastic Syndromes, Hereditary; Tumor predisposition; Hereditary neoplastic syndrome. Identifiers: Orphanet 140162, MedGen C0027672, MeSH D009386, MONDO:0015356.
Classic or attenuated familial adenomatous polyposis. Identifiers: MedGen CN372698, MONDO:0021057.

Allele frequency attached by ClinVar (database versions not stated): gnomAD exomes below 0.00001 and 0.00001; ExAC 0.00001; gnomAD 0.00001; TOPMed 0.00001.
gnomAD v4.1: 8 of 1,613,452 alleles (0.0005%); highest among the groups gnomAD compares: South Asian, 0.0055%; no homozygotes.

Submissions (7):

Labcorp Genetics (formerly Invitae), Labcorp
Classification: Likely benign for Familial adenomatous polyposis 1. Last evaluated: 2025-10-02. Review status: criteria provided, single submitter. Criteria: Invitae Variant Classification Sherloc (09022015). Collection method: clinical testing. Allele origin: germline.

Quest Diagnostics Nichols Institute San Juan Capistrano
Classification: Uncertain significance. Last evaluated: 2025-08-22. Review status: criteria provided, single submitter. Criteria: Quest Diagnostics criteria. Collection method: clinical testing. Allele origin: unknown.
Comment: The APC c.1744-3T>C variant has not been reported in individuals with APC-related conditions in the published literature. The frequency of this variant in the general population (Genome Aggregation Database) is uninformative in the assessment of its pathogenicity. Analysis of this variant using software algorithms for the prediction of the effect of nucleotide changes on splicing yielded predictions that this variant does not affect APC mRNA splicing. Based on the available information, we are unable to determine the clinical significance of this variant.

All of Us Research Program, National Institutes of Health
Classification: Uncertain significance for Classic or attenuated familial adenomatous polyposis. Last evaluated: 2024-03-24. Review status: criteria provided, single submitter. Criteria: ACMG Guidelines, 2015. Collection method: clinical testing. Allele origin: germline. Inheritance: Autosomal dominant inheritance. Observed: 1 variant allele, 1 heterozygote.
Comment: This variant causes a T to C nucleotide substitution at the -3 position of intron 14 of the APC gene. To our knowledge, functional studies have not been reported for this variant. This variant has not been reported in individuals affected with APC-related disorders in the literature. This variant has been identified in 1/251084 chromosomes in the general population by the Genome Aggregation Database (gnomAD). The available evidence is insufficient to determine the role of this variant in disease conclusively. Therefore, this variant is classified as a Variant of Uncertain Significance.

This study involves interpretation of variants in research participants for the purpose of population health screening. Participant phenotype was not available at the time of variant classification. Additional details can be found in publication PMID: 35346344, PMCID: PMC8962531

Myriad Genetics, Inc.
Classification: Likely benign for Familial adenomatous polyposis 1. Last evaluated: 2024-03-07. Review status: criteria provided, single submitter. Criteria: Myriad Autosomal Dominant, Autosomal Recessive and X-Linked Classification Criteria (2023). Collection method: clinical testing. Allele origin: unknown.
Comment: This variant is considered likely benign. This variant is intronic and is not expected to impact mRNA splicing.

Color Diagnostics, LLC DBA Color Health
Classification: Uncertain significance for Hereditary cancer-predisposing syndrome. Last evaluated: 2024-02-16. Review status: criteria provided, single submitter. Criteria: ACMG Guidelines, 2015. Collection method: clinical testing. Allele origin: germline.
Comment: This variant causes a T to C nucleotide substitution at the -3 position of intron 14 of the APC gene. To our knowledge, functional studies have not been reported for this variant. This variant has not been reported in individuals affected with APC-related disorders in the literature. This variant has been identified in 1/251084 chromosomes in the general population by the Genome Aggregation Database (gnomAD). The available evidence is insufficient to determine the role of this variant in disease conclusively. Therefore, this variant is classified as a Variant of Uncertain Significance.

Ambry Genetics
Classification: Likely benign for Hereditary cancer-predisposing syndrome. Last evaluated: 2024-01-03. Review status: criteria provided, single submitter. Criteria: Ambry Variant Classification Scheme 2023. Collection method: clinical testing. Allele origin: germline.

GeneDx
Classification: Likely benign. Last evaluated: 2018-06-11. Review status: criteria provided, single submitter. Criteria: GeneDx Variant Classification (06012015). Collection method: clinical testing. Allele origin: germline. Affected: yes.
Comment: This variant is considered likely benign or benign based on one or more of the following criteria: it is a conservative change, it occurs at a poorly conserved position in the protein, it is predicted to be benign by multiple in silico algorithms, and/or has population frequency not consistent with disease.

Literature cited by the submitters: PubMed 19029688 (cited by Quest Diagnostics Nichols Institute San Juan Capistrano).